The following is an entry in ClinVar:

ClinVar aggregate classification (germline): Benign/Likely benign. Review status: criteria provided, multiple submitters, no conflicts (2 of 4 stars). 5 submissions from 5 submitters: Benign (3); Likely benign (2). Last evaluated 2026-01-19.

Conditions:
Connective tissue disorder. Also called: Connective tissue disease. Identifiers: MedGen C0009782, MONDO:0003900.

Allele frequency attached by ClinVar (database versions not stated): gnomAD exomes 0.00116 and 0.00256; ESP Exome Variant Server 0.00292; ExAC 0.00327; gnomAD 0.00344 and 0.00368; TOPMed 0.00386; 1000 Genomes Project 0.00799; 1000 Genomes Project 30x 0.00843.
gnomAD v4.1: 2,314 of 1,613,642 alleles (0.14%); highest among the groups gnomAD compares: South Asian, 1.3%; 26 homozygotes.

Submissions (5):

Labcorp Genetics (formerly Invitae), Labcorp
Classification: Benign. Last evaluated: 2026-01-19. Review status: criteria provided, single submitter. Criteria: Invitae Variant Classification Sherloc (09022015). Collection method: clinical testing. Allele origin: germline.

CeGaT Center for Human Genetics Tuebingen
Classification: Benign. Last evaluated: 2025-01-01. Review status: criteria provided, single submitter. Criteria: CeGaT Center For Human Genetics Tuebingen Variant Classification Criteria Version 2. Collection method: clinical testing. Allele origin: germline. Affected: yes. Observed: 1 variant allele.
Comment: COL9A3: BS1, BS2

Genome Diagnostics Laboratory, The Hospital for Sick Children
Classification: Benign for Connective tissue disorder. Last evaluated: 2021-08-03. Review status: criteria provided, single submitter. Criteria: ACMG Guidelines, 2015. Collection method: clinical testing. Allele origin: germline.

GeneDx
Classification: Likely benign. Last evaluated: 2020-07-14. Review status: criteria provided, single submitter. Criteria: GeneDx Variant Classification Process June 2021. Collection method: clinical testing. Allele origin: germline. Affected: yes.

Breakthrough Genomics
Classification: Likely benign. Review status: criteria provided, single submitter. Criteria: ACMG Guidelines, 2015. Collection method: not provided. Allele origin: germline. Inheritance: Autosomal recessive inheritance. Affected: yes.

NM_001853.4(COL9A3):c.1561A>G (p.Ser521Gly)

Genes: COL9A3 (collagen type IX alpha 3 chain; plus strand), LOC126863084 (MED14-independent group 3 enhancer GRCh37_chr20:61467141-61468340; plus strand). Cytogenetic location: 20q13.33.
Variant type: single nucleotide variant.
Coding change: c.1561A>G on transcript NM_001853.4 (MANE Select); coding-DNA position 1561, A replaced by G.
Protein change: p.Ser521Gly; replaces serine 521 with glycine.
Molecular consequence: missense variant.
Genome position (GRCh38, 1-based): chr20:62,836,490, A>G. VCF-style: chr20-62836490-A-G. GRCh37 (hg19) VCF-style: chr20-61467842-A-G.
Other names: c.1561A>G, p.Ser521Gly (LRG_1253t1); short protein forms S521G.
Identifiers: ClinVar variation 339296 (VCV000339296.31), dbSNP rs140686800, ClinGen allele CA9950068.